The following is an entry in ClinVar:

NM_015570.4(AUTS2):c.3199C>T (p.His1067Tyr)

Gene: AUTS2 (activator of transcription and developmental regulator AUTS2; plus strand). Cytogenetic location: 7q11.22.
Variant type: single nucleotide variant.
Coding change: c.3199C>T on transcript NM_015570.4 (MANE Select); coding-DNA position 3199, C replaced by T.
Protein change: p.His1067Tyr; replaces histidine 1067 with tyrosine.
Molecular consequence: missense variant.
Genome position (GRCh38, 1-based): chr7:70,790,415, C>T. VCF-style: chr7-70790415-C-T. GRCh37 (hg19) VCF-style: chr7-70255401-C-T.
Other names: c.3127C>T, p.His1043Tyr (NM_001127231.3); short protein forms H1043Y, H1067Y.
Identifiers: ClinVar variation 3371662 (VCV003371662.1).

ClinVar aggregate classification (germline): Uncertain significance (1 of 4 stars; one submission).

Submission:

GeneDx
Classification: Uncertain significance. Last evaluated: 2024-03-28. Review status: criteria provided, single submitter. Criteria: GeneDx Variant Classification Process June 2021. Collection method: clinical testing. Allele origin: germline. Affected: yes.
Comment: Not observed at significant frequency in large population cohorts (gnomAD); In silico analysis supports that this missense variant does not alter protein structure/function; Has not been previously published as pathogenic or benign to our knowledge